The following is an entry in ClinVar:

ClinVar aggregate classification (germline): Uncertain significance (1 of 4 stars; one submission).

Allele frequency attached by ClinVar (database versions not stated): gnomAD exomes below 0.00001 and 0.00001; gnomAD 0.00001.
gnomAD v4.1: 12 of 1,613,522 alleles (0.00074%); highest among the groups gnomAD compares: African/African-American, 0.004%; no homozygotes.

Submission:

Labcorp Genetics (formerly Invitae), Labcorp
Classification: Uncertain significance. Last evaluated: 2021-10-15. Review status: criteria provided, single submitter. Criteria: Invitae Variant Classification Sherloc (09022015). Collection method: clinical testing. Allele origin: germline.
Comment: This sequence change replaces arginine with serine at codon 311 of the TYR protein (p.Arg311Ser). The arginine residue is moderately conserved and there is a moderate physicochemical difference between arginine and serine. This variant is not present in population databases (ExAC no frequency). This variant has not been reported in the literature in individuals affected with TYR-related conditions. Advanced modeling of protein sequence and biophysical properties (such as structural, functional, and spatial information, amino acid conservation, physicochemical variation, residue mobility, and thermodynamic stability) performed at Invitae indicates that this missense variant is expected to disrupt TYR protein function. In summary, the available evidence is currently insufficient to determine the role of this variant in disease. Therefore, it has been classified as a Variant of Uncertain Significance.

NM_000372.5(TYR):c.933G>T (p.Arg311Ser)

Gene: TYR (tyrosinase; plus strand). Cytogenetic location: 11q14.3.
Variant type: single nucleotide variant.
Coding change: c.933G>T on transcript NM_000372.5 (MANE Select); coding-DNA position 933, G replaced by T.
Protein change: p.Arg311Ser; replaces arginine 311 with serine.
Molecular consequence: missense variant.
Genome position (GRCh38, 1-based): chr11:89,191,315, G>T. VCF-style: chr11-89191315-G-T. GRCh37 (hg19) VCF-style: chr11-88924483-G-T.
Other names: short protein forms R311S.
Identifiers: ClinVar variation 1429385 (VCV001429385.3), dbSNP rs1488387051, ClinGen allele CA382035902.
Genomic context (GRCh38, chr11:89,191,315, plus strand): 5'-AACGCCCGAGGGACCTTTACGGCGTAATCCTGGAAACCATGACAAATCCAGAACCCCAAG[G>T]CTCCCCTCTTCAGCTGATGTAGAATTTTGCCTGAGTTTGACCCAATATGAATCTGGTTCC-3'
Protein context (NP_000363.1, residues 301-321): PGNHDKSRTP[Arg311Ser]LPSSADVEFC